The following is an entry in ClinVar:

ClinVar aggregate classification (germline): Uncertain significance (1 of 4 stars; one submission).

Submission:

GeneDx
Classification: Uncertain significance. Last evaluated: 2020-03-06. Review status: criteria provided, single submitter. Criteria: GeneDx Variant Classification Process June 2021. Collection method: clinical testing. Allele origin: germline. Affected: yes.
Comment: Nonsense variant predicted to result in protein truncation or nonsense mediated decay in a gene for which loss-of-function is not a known mechanism of disease; Not observed in large population cohorts (Lek et al., 2016); Has not been previously published as pathogenic or benign to our knowledge; Variants in candidate genes are classified as variants of uncertain significance in accordance with ACMG guidelines (Richards et al., 2015)

NM_004973.4(JARID2):c.2341C>T (p.Gln781Ter)

Gene: JARID2 (jumonji and AT-rich interaction domain containing 2; plus strand). Cytogenetic location: 6p22.3.
Variant type: single nucleotide variant.
Coding change: c.2341C>T on transcript NM_004973.4 (MANE Select); coding-DNA position 2341, C replaced by T.
Protein change: p.Gln781Ter; replaces glutamine 781 with a stop codon.
Molecular consequence: nonsense.
Genome position (GRCh38, 1-based): chr6:15,501,302, C>T. VCF-style: chr6-15501302-C-T. GRCh37 (hg19) VCF-style: chr6-15501533-C-T.
Other names: c.1825C>T, p.Gln609Ter (NM_001267040.1); short protein forms Q609*, Q781*.
Identifiers: ClinVar variation 1315243 (VCV001315243.2), dbSNP rs2127744124, ClinGen allele CA362799195.